The following is an entry in ClinVar:

ClinVar aggregate classification (germline): Conflicting classifications of pathogenicity. Review status: criteria provided, conflicting classifications (1 of 4 stars). 5 submissions from 5 submitters: Uncertain significance (1); Likely benign (3). 1 of the submissions does not count toward it. Last evaluated 2025-11-23.

Conditions:
RAI1-related disorder. Also called: RAI1-related condition.
Inborn genetic diseases. Identifiers: MedGen C0950123, MeSH D030342.

Allele frequency attached by ClinVar (database versions not stated): TOPMed 0.00002; gnomAD exomes 0.00005; ExAC 0.00017; 1000 Genomes Project 0.00020; 1000 Genomes Project 30x 0.00047.
gnomAD v4.1: 165 of 1,601,208 alleles (0.01%); highest among the groups gnomAD compares: Non-Finnish European, 0.013%; no homozygotes.

Submissions (5):

Labcorp Genetics (formerly Invitae), Labcorp
Classification: Likely benign. Last evaluated: 2025-11-23. Review status: criteria provided, single submitter. Criteria: Invitae Variant Classification Sherloc (09022015). Collection method: clinical testing. Allele origin: germline.

GeneDx
Classification: Likely benign. Last evaluated: 2021-04-08. Review status: criteria provided, single submitter. Criteria: GeneDx Variant Classification Process June 2021. Collection method: clinical testing. Allele origin: germline. Affected: yes.

Ambry Genetics
Classification: Likely benign for Inborn genetic diseases. Last evaluated: 2016-05-03. Review status: criteria provided, single submitter. Criteria: Ambry Variant Classification Scheme 2023. Collection method: clinical testing. Allele origin: germline.

Genetic Services Laboratory, University of Chicago
Classification: Uncertain significance. Last evaluated: 2015-04-16. Review status: criteria provided, single submitter. Criteria: ACMG Guidelines, 2015. Collection method: clinical testing. Allele origin: germline.

PreventionGenetics, part of Exact Sciences
Classification: Likely benign for RAI1-related condition. Last evaluated: 2020-03-20. Review status: no assertion criteria provided. Collection method: clinical testing. Allele origin: germline. Not counted in ClinVar's aggregate classification.
Comment: This variant is classified as likely benign based on ACMG/AMP sequence variant interpretation guidelines (Richards et al. 2015 PMID: 25741868, with internal and published modifications).

NM_030665.4(RAI1):c.3030C>A (p.Ala1010=)

Gene: RAI1 (retinoic acid induced 1; plus strand). Cytogenetic location: 17p11.2.
Variant type: single nucleotide variant.
Coding change: c.3030C>A on transcript NM_030665.4 (MANE Select); coding-DNA position 3030, C replaced by A.
Protein change: p.Ala1010=; no amino-acid change (alanine 1010 retained).
Molecular consequence: synonymous variant.
Genome position (GRCh38, 1-based): chr17:17,795,978, C>A. VCF-style: chr17-17795978-C-A. GRCh37 (hg19) VCF-style: chr17-17699292-C-A.
Identifiers: ClinVar variation 212006 (VCV000212006.23), dbSNP rs542714936, ClinGen allele CA209310.